The following is an entry in ClinVar:

NM_001040108.2(MLH3):c.3589A>C (p.Asn1197His)

Gene: MLH3 (mutL homolog 3; minus strand). Cytogenetic location: 14q24.3.
Variant type: single nucleotide variant.
Coding change: c.3589A>C on transcript NM_001040108.2 (MANE Select); coding-DNA position 3589, A replaced by C.
Protein change: p.Asn1197His; replaces asparagine 1197 with histidine.
Molecular consequence: missense variant.
Genome position (GRCh38, 1-based): chr14:75,038,394, T>G on the plus strand (A>C on the coding strand, the complement: MLH3 is on the minus strand). VCF-style: chr14-75038394-T-G. GRCh37 (hg19) VCF-style: chr14-75505097-T-G.
Other names: c.3589A>C, p.Asn1197His (NM_014381.3); short protein forms N1197H.
Identifiers: ClinVar variation 2897808 (VCV002897808.4), dbSNP rs1891569357, ClinGen allele CA390427236.
Genomic context (GRCh38, chr14:75,038,394, plus strand): 5'-TCTTACCTGCCTCGCCATTCTCTTCAGTCTTAGTGCTCATCAAACAGGCAATAAACTTGT[T>G]ATCTACTTGCTGGAGAACCTGTCAGACATTCAAATAAGTGGTACAACACTAAATAAAAAT-3'
Protein context (NP_001035197.1, residues 1187-1207): HSMQVLQQVD[Asn1197His]KFIACLMSTK

ClinVar aggregate classification (germline): Uncertain significance. Review status: criteria provided, multiple submitters, no conflicts (2 of 4 stars). 2 submissions from 2 submitters: Uncertain significance (2). Last evaluated 2024-07-09.

Conditions:
Colorectal cancer, hereditary nonpolyposis, type 7. Identifiers: Orphanet 144, MedGen C1858380, MONDO:0013725, OMIM 614385.

Allele frequency attached by ClinVar (database versions not stated): TOPMed 0.00001.

Submissions (2):

Ambry Genetics
Classification: Uncertain significance. Last evaluated: 2024-07-09. Review status: criteria provided, single submitter. Criteria: Ambry Variant Classification Scheme 2023. Collection method: clinical testing. Allele origin: germline.
Comment: The p.N1197H variant (also known as c.3589A>C), located in coding exon 5 of the MLH3 gene, results from an A to C substitution at nucleotide position 3589. The asparagine at codon 1197 is replaced by histidine, an amino acid with similar properties. This amino acid position is conserved. In addition, this alteration is predicted to be tolerated by in silico analysis. Based on the available evidence, the clinical significance of this variant remains unclear.

Labcorp Genetics (formerly Invitae), Labcorp
Classification: Uncertain significance for Colorectal cancer, hereditary nonpolyposis, type 7. Last evaluated: 2023-05-09. Review status: criteria provided, single submitter. Criteria: Invitae Variant Classification Sherloc (09022015). Collection method: clinical testing. Allele origin: germline.
Comment: This sequence change replaces asparagine, which is neutral and polar, with histidine, which is basic and polar, at codon 1197 of the MLH3 protein (p.Asn1197His). This variant is not present in population databases (gnomAD no frequency). This variant has not been reported in the literature in individuals affected with MLH3-related conditions. An algorithm developed to predict the effect of missense changes on protein structure and function (PolyPhen-2) suggests that this variant is likely to be disruptive. In summary, the available evidence is currently insufficient to determine the role of this variant in disease. Therefore, it has been classified as a Variant of Uncertain Significance.